The following is an entry in ClinVar:

NM_000088.4(COL1A1):c.1229G>C (p.Gly410Ala)

Gene: COL1A1 (collagen type I alpha 1 chain; minus strand). Cytogenetic location: 17q21.33.
Variant type: single nucleotide variant.
Coding change: c.1229G>C on transcript NM_000088.4 (MANE Select); coding-DNA position 1229, G replaced by C.
Protein change: p.Gly410Ala; replaces glycine 410 with alanine.
Molecular consequence: missense variant.
Genome position (GRCh38, 1-based): chr17:50,195,302, C>G on the plus strand (G>C on the coding strand, the complement: COL1A1 is on the minus strand). VCF-style: chr17-50195302-C-G. GRCh37 (hg19) VCF-style: chr17-48272663-C-G.
Other names: short protein forms G410A.
Identifiers: ClinVar variation 2860970 (VCV002860970.3), dbSNP rs2509226176, ClinGen allele CA400218869.
Genomic context (GRCh38, chr17:50,195,302, plus strand): 5'-TTGGGACCAGGAGGGCCGCCGGGGCCCTGGGGTCCAGAGGGGCCTCGGGCACCAGGGAAG[C>G]CAGGAGCACCAGCAATACCAGGAGCACCCTGTGGGAGGCAGACAGCCAGGGCGTGAGCCT-3'
Protein context (NP_000079.2, residues 400-420): NGAPGIAGAP[Gly410Ala]FPGARGPSGP

ClinVar aggregate classification (germline): Likely pathogenic (1 of 4 stars; one submission).

Conditions:
Osteogenesis imperfecta type I (OI1). Also called: Lobstein's Disease; Classic Non-deforming Osteogenesis Imperfecta with Blue Sclerae; Lobstein disease; OI, TYPE I; OSTEOGENESIS IMPERFECTA TARDA; OSTEOGENESIS IMPERFECTA WITH BLUE SCLERAE. Identifiers: Orphanet 216796, Orphanet 666, MedGen C0023931, MONDO:0008146, OMIM 166200. Disease mechanism: loss of function.

Submission:

Labcorp Genetics (formerly Invitae), Labcorp
Classification: Likely pathogenic for Osteogenesis imperfecta type I. Last evaluated: 2023-05-01. Review status: criteria provided, single submitter. Criteria: Invitae Variant Classification Sherloc (09022015). Collection method: clinical testing. Allele origin: germline.
Comment: This variant disrupts the p.Gly410 amino acid residue in COL1A1. Other variant(s) that disrupt this residue have been observed in individuals with COL1A1-related conditions (PMID: 17078022; Invitae), which suggests that this may be a clinically significant amino acid residue. This missense change has been observed in individual(s) with clinical features of osteogenesis imperfecta (Invitae). This variant is not present in population databases (gnomAD no frequency). Advanced modeling of protein sequence and biophysical properties (such as structural, functional, and spatial information, amino acid conservation, physicochemical variation, residue mobility, and thermodynamic stability) performed at Invitae indicates that this missense variant is expected to disrupt COL1A1 protein function. This variant disrupts the triple helix domain of COL1A1. Glycine residues within the Gly-Xaa-Yaa repeats of the triple helix domain are required for the structure and stability of fibrillar collagens (PMID: 7695699, 8218237, 19344236). In COL1A1, variants affecting these glycine residues are significantly enriched in individuals with disease (PMID: 9016532, 17078022) compared to the general population (ExAC). This sequence change replaces glycine, which is neutral and non-polar, with alanine, which is neutral and non-polar, at codon 410 of the COL1A1 protein (p.Gly410Ala). In summary, the currently available evidence indicates that the variant is pathogenic, but additional data are needed to prove that conclusively. Therefore, this variant has been classified as Likely Pathogenic.

Literature cited by the submitters: PubMed 17078022; PubMed 7695699; PubMed 8218237; PubMed 19344236; PubMed 9016532.